The following is an entry in ClinVar:

ClinVar aggregate classification (germline): Uncertain significance. Review status: criteria provided, multiple submitters, no conflicts (2 of 4 stars). 2 submissions from 2 submitters: Uncertain significance (2). Last evaluated 2026-01-09.

Conditions:
Inborn genetic diseases. Identifiers: MedGen C0950123, MeSH D030342.

Submissions (2):

Ambry Genetics
Classification: Uncertain significance for Inborn genetic diseases. Last evaluated: 2026-01-09. Review status: criteria provided, single submitter. Criteria: Ambry Variant Classification Scheme 2023. Collection method: clinical testing. Allele origin: germline.

GeneDx
Classification: Uncertain significance. Last evaluated: 2025-04-29. Review status: criteria provided, single submitter. Criteria: GeneDx Variant Classification Process June 2021. Collection method: clinical testing. Allele origin: germline. Affected: yes.
Comment: Not observed at significant frequency in large population cohorts (gnomAD); In silico analysis supports that this missense variant has a deleterious effect on protein structure/function; Has not been previously published as pathogenic or benign to our knowledge

NM_000447.3(PSEN2):c.1266C>G (p.Phe422Leu)

Gene: PSEN2 (presenilin 2; plus strand). Cytogenetic location: 1q42.13.
Variant type: single nucleotide variant.
Coding change: c.1266C>G on transcript NM_000447.3 (MANE Select); coding-DNA position 1266, C replaced by G.
Protein change: p.Phe422Leu; replaces phenylalanine 422 with leucine.
Molecular consequence: missense variant.
Genome position (GRCh38, 1-based): chr1:226,895,498, C>G. VCF-style: chr1-226895498-C-G. GRCh37 (hg19) VCF-style: chr1-227083199-C-G.
Other names: c.1266C>G, p.Phe422Leu (NM_001437537.1); c.1263C>G, p.Phe421Leu (NM_012486.3); short protein forms F421L, F422L.
Identifiers: ClinVar variation 4527931 (VCV004527931.2).